The following is an entry in ClinVar:

NM_000539.3(RHO):c.482G>A (p.Trp161Ter)

Gene: RHO (rhodopsin; plus strand). Cytogenetic location: 3q22.1.
Variant type: single nucleotide variant.
Coding change: c.482G>A on transcript NM_000539.3 (MANE Select); coding-DNA position 482, G replaced by A.
Protein change: p.Trp161Ter; replaces tryptophan 161 with a stop codon.
Molecular consequence: nonsense.
Genome position (GRCh38, 1-based): chr3:129,530,996, G>A. VCF-style: chr3-129530996-G-A. GRCh37 (hg19) VCF-style: chr3-129249839-G-A.
Other names: short protein forms W161*.
Identifiers: ClinVar variation 29875 (VCV000029875.10), dbSNP rs869320618, ClinGen allele CA358695.

ClinVar aggregate classification (germline): Pathogenic. Review status: criteria provided, multiple submitters, no conflicts (2 of 4 stars). 3 submissions from 3 submitters: Pathogenic (2). 1 of the submissions does not count toward it. Last evaluated 2025-02-05.

Conditions:
Retinitis pigmentosa 4, autosomal recessive. Identifiers: MedGen C4016366.
Retinitis pigmentosa 4 (RP4). Also called: RETINITIS PIGMENTOSA, RHODOPSIN-RELATED. Identifiers: Orphanet 791, MedGen C3151001, MONDO:0013395, OMIM 613731.

Allele frequency attached by ClinVar (database versions not stated): gnomAD exomes below 0.00001.
gnomAD v4.1: 2 of 1,614,230 alleles (0.00012%); highest among the groups gnomAD compares: South Asian, 0.0011%; no homozygotes.

Submissions (3):

SingHealth Duke-NUS Institute of Precision Medicine
Classification: Pathogenic for Retinitis pigmentosa 4. Last evaluated: 2025-02-05. Review status: criteria provided, single submitter. Criteria: PRISM ACMG Classification Criteria. Collection method: clinical testing. Allele origin: germline. Affected: yes.
Comment: Null variant is predicted to cause nonsense-mediated decay in a gene where LOF is a known cause of pathogenicity (PVS1). Variant allele frequency is less than 0.0001 in gnomAD exomes and absent from genomes (PM2). Experimental studies done by transfecting human rhodopsin nonsense mutants into HEK-293T and HT-1080 human cells indicated that this nonsense variant yielded significantly reduced levels of rhodopsin mRNA, approximately 40% lower than for wild type rhodopsin. The results also suggested that the NMD pathway is responsible for the degradation of rhodopsin mRNA in the mutants causing arRP (PS3, PMID:26416182)

Labcorp Genetics (formerly Invitae), Labcorp
Classification: Pathogenic. Last evaluated: 2024-12-23. Review status: criteria provided, single submitter. Criteria: Invitae Variant Classification Sherloc (09022015). Collection method: clinical testing. Allele origin: germline.
Comment: This sequence change creates a premature translational stop signal (p.Trp161*) in the RHO gene. It is expected to result in an absent or disrupted protein product. Loss-of-function variants in RHO are known to be pathogenic (PMID: 1303237, 21174529). This variant is present in population databases (no rsID available, gnomAD 0.0009%). This premature translational stop signal has been observed in individual(s) with autosomal recessive retinitis pigmentosa (PMID: 21174529). It has also been observed to segregate with disease in related individuals. ClinVar contains an entry for this variant (Variation ID: 29875). For these reasons, this variant has been classified as Pathogenic.

OMIM
Classification: Pathogenic for RETINITIS PIGMENTOSA 4, AUTOSOMAL RECESSIVE. Last evaluated: 2011-03-01. Review status: no assertion criteria provided. Collection method: literature only. Allele origin: germline. Not counted in ClinVar's aggregate classification.

Literature cited by the submitters: PubMed 26416182 (cited by SingHealth Duke-NUS Institute of Precision Medicine); PubMed 1303237 (cited by Labcorp Genetics (formerly Invitae), Labcorp); PubMed 21174529 (cited by Labcorp Genetics (formerly Invitae), Labcorp and OMIM).